The following is an entry in ClinVar:

NM_000152.5(GAA):c.368G>T (p.Gly123Val)

Gene: GAA (alpha glucosidase; plus strand). Cytogenetic location: 17q25.3.
Variant type: single nucleotide variant.
Coding change: c.368G>T on transcript NM_000152.5 (MANE Select); coding-DNA position 368, G replaced by T.
Protein change: p.Gly123Val; replaces glycine 123 with valine.
Molecular consequence: missense variant.
Genome position (GRCh38, 1-based): chr17:80,104,954, G>T. VCF-style: chr17-80104954-G-T. GRCh37 (hg19) VCF-style: chr17-78078753-G-T.
Other names: c.368G>T, p.Gly123Val (NM_001079803.3, NM_001079804.3); short protein forms G123V.
Identifiers: ClinVar variation 972134 (VCV000972134.11), dbSNP rs138034915, ClinGen allele CA401360924.

ClinVar aggregate classification (germline): Uncertain significance. Review status: criteria provided, single submitter (1 of 4 stars). 2 submissions from 2 submitters: Uncertain significance (1). 1 of the submissions does not count toward it. Last evaluated 2022-08-16.

Conditions:
Glycogen storage disease, type II (IOPD). Also called: Glucosidase acid-1,4-alpha deficiency; Pompe Disease; GLYCOGENOSIS, GENERALIZED, CARDIAC FORM; GSD II; Glycogen storage disease type 2; Acid maltase deficiency disease. Identifiers: Orphanet 365, MedGen C0017921, MONDO:0009290, OMIM 232300.

Submissions (2):

Labcorp Genetics (formerly Invitae), Labcorp
Classification: Uncertain significance for Glycogen storage disease, type II. Last evaluated: 2022-08-16. Review status: criteria provided, single submitter. Criteria: Invitae Variant Classification Sherloc (09022015). Collection method: clinical testing. Allele origin: germline.
Comment: This sequence change replaces glycine, which is neutral and non-polar, with valine, which is neutral and non-polar, at codon 123 of the GAA protein (p.Gly123Val). This variant is not present in population databases (gnomAD no frequency). This variant has not been reported in the literature in individuals affected with GAA-related conditions. ClinVar contains an entry for this variant (Variation ID: 972134). Advanced modeling of protein sequence and biophysical properties (such as structural, functional, and spatial information, amino acid conservation, physicochemical variation, residue mobility, and thermodynamic stability) performed at Invitae indicates that this missense variant is not expected to disrupt GAA protein function. In summary, the available evidence is currently insufficient to determine the role of this variant in disease. Therefore, it has been classified as a Variant of Uncertain Significance.

Natera, Inc.
Classification: Uncertain significance for Glycogen storage disease type II. Last evaluated: 2020-03-11. Review status: no assertion criteria provided. Collection method: clinical testing. Allele origin: germline. Not counted in ClinVar's aggregate classification.